The following is an entry in ClinVar:

ClinVar aggregate classification (germline): Benign (0 of 4 stars; one submission).

Conditions:
MDN1-related disorder. Also called: MDN1-related condition.

Allele frequency attached by ClinVar (database versions not stated): ExAC 0.12408; gnomAD exomes 0.13379; 1000 Genomes Project 30x 0.10353; 1000 Genomes Project 0.10403; TOPMed 0.10510; gnomAD 0.10934; ESP Exome Variant Server 0.11687.
gnomAD v4.1: 211,737 of 1,612,760 alleles (13%); highest among the groups gnomAD compares: South Asian, 17%; 14,769 homozygotes.

Submissions (8):

PreventionGenetics, part of Exact Sciences
Classification: Benign for MDN1-related condition. Last evaluated: 2019-10-23. Review status: no assertion criteria provided. Collection method: clinical testing. Allele origin: germline.
Comment: This variant is classified as benign based on ACMG/AMP sequence variant interpretation guidelines (Richards et al. 2015 PMID: 25741868, with internal and published modifications).

Dr. Peter K. Rogan Lab, Western University
No classification provided (evidence only). Condition: Colorectal cancer. Review status: no classification provided. Collection method: in vitro. Allele origin: not applicable. Functional consequence: retained intron. Not counted in ClinVar's aggregate classification.

Dr. Peter K. Rogan Lab, Western University
No classification provided (evidence only). Condition: Colorectal cancer. Review status: no classification provided. Collection method: in vitro. Allele origin: not applicable. Functional consequence: retained intron. Not counted in ClinVar's aggregate classification.

Dr. Peter K. Rogan Lab, Western University
No classification provided (evidence only). Condition: Malignant lymphoma, large B-cell, diffuse. Review status: no classification provided. Collection method: in vitro. Allele origin: not applicable. Functional consequence: retained intron. Not counted in ClinVar's aggregate classification.

Dr. Peter K. Rogan Lab, Western University
No classification provided (evidence only). Condition: Malignant lymphoma, large B-cell, diffuse. Review status: no classification provided. Collection method: in vitro. Allele origin: not applicable. Functional consequence: retained intron. Not counted in ClinVar's aggregate classification.

Dr. Peter K. Rogan Lab, Western University
No classification provided (evidence only). Condition: Malignant lymphoma, large B-cell, diffuse. Review status: no classification provided. Collection method: in vitro. Allele origin: not applicable. Functional consequence: retained intron. Not counted in ClinVar's aggregate classification.

Dr. Peter K. Rogan Lab, Western University
No classification provided (evidence only). Condition: Malignant lymphoma, large B-cell, diffuse. Review status: no classification provided. Collection method: in vitro. Allele origin: not applicable. Functional consequence: retained intron. Not counted in ClinVar's aggregate classification.

Dr. Peter K. Rogan Lab, Western University
No classification provided (evidence only). Condition: Adrenocortical carcinoma, hereditary. Review status: no classification provided. Collection method: in vitro. Allele origin: not applicable. Functional consequence: retained intron. Not counted in ClinVar's aggregate classification.

NM_014611.3(MDN1):c.11381C>G (p.Ala3794Gly)

Genes: MDN1 (midasin AAA ATPase 1; minus strand), MDN1-AS1 (MDN1 antisense RNA 1; plus strand). Cytogenetic location: 6q15.
Variant type: single nucleotide variant.
Coding change: c.11381C>G on transcript NM_014611.3 (MANE Select); coding-DNA position 11381, C replaced by G.
Protein change: p.Ala3794Gly; replaces alanine 3794 with glycine.
Molecular consequence: missense variant. On other transcripts: non-coding transcript variant (1).
Genome position (GRCh38, 1-based): chr6:89,687,413, G>C on the plus strand (C>G on the coding strand, the complement: MDN1 is on the minus strand). VCF-style: chr6-89687413-G-C. GRCh37 (hg19) VCF-style: chr6-90397132-G-C.
Other names: NC_000006.11:g.90397132G>C; short protein forms A3794G.
Identifiers: ClinVar variation 3060739 (VCV003060739.3), dbSNP rs34766278, ClinGen allele CA3923349.
Genomic context (GRCh38, chr6:89,687,413, plus strand): 5'-AGTTTACGCCACCGAATGATCATCTGACTGATCAAATCAAGATGTTTCCGCAAAGACAAA[G>C]CTCGACTTGCATTTTCCTCCCAATCCTAAAGAAACAAAGATAAAATTTACTACAGATATT-3'
Protein context (NP_055426.1, residues 3784-3804): AQDWEENASR[Ala3794Gly]LSLRKHLDLI